The following is an entry in ClinVar:

ClinVar aggregate classification (germline): Conflicting classifications of pathogenicity. Review status: criteria provided, conflicting classifications (1 of 4 stars). 3 submissions from 3 submitters: Uncertain significance (1); Likely benign (1). 1 of the submissions does not count toward it. Last evaluated 2023-03-23.

Conditions:
Hereditary cancer-predisposing syndrome. Also called: Tumor predisposition; Hereditary neoplastic syndrome; Hereditary Cancer Syndrome; Neoplastic Syndromes, Hereditary. Identifiers: Orphanet 140162, MedGen C0027672, MeSH D009386, MONDO:0015356.
Malignant tumor of breast. Also called: Malignant breast neoplasm; Cancer breast. Identifiers: MedGen C0006142, MONDO:0007254. Disease mechanism: loss of function.

Submissions (3):

University of Washington Department of Laboratory Medicine, University of Washington
Classification: Likely benign for Hereditary cancer-predisposing syndrome. Last evaluated: 2023-03-23. Review status: criteria provided, single submitter. Criteria: Dines et al. (Genet Med. 2020). Collection method: curation. Allele origin: germline.
Comment: Missense variant in a coldspot region where missense variants are very unlikely to be pathogenic (PMID:31911673).

BRCA2 exon 10 coldspot. Reclassification based on statistical prior probability.

Ambry Genetics
Classification: Uncertain significance for Hereditary cancer-predisposing syndrome. Last evaluated: 2022-03-22. Review status: criteria provided, single submitter. Criteria: Ambry Variant Classification Scheme 2023. Collection method: clinical testing. Allele origin: germline.
Comment: The p.K434Q variant (also known as c.1300A>C), located in coding exon 9 of the BRCA2 gene, results from an A to C substitution at nucleotide position 1300. The lysine at codon 434 is replaced by glutamine, an amino acid with similar properties. This variant was observed in 1/3251 individuals who met eligibility criteria for hereditary breast and ovarian cancer syndrome. This amino acid position is poorly conserved in available vertebrate species. In addition, this alteration is predicted to be tolerated by in silico analysis. Since supporting evidence is limited at this time, the clinical significance of this alteration remains unclear.

Department of Pathology and Laboratory Medicine, Sinai Health System
Classification: Uncertain significance for Malignant tumor of breast. Review status: no assertion criteria provided. Collection method: clinical testing. Allele origin: unknown. Affected: yes. Study: The Canadian Open Genetics Repository (COGR). Not counted in ClinVar's aggregate classification.
Comment: The BRCA2 p.Lys434Gln variant was not identified in the literature nor was it identified in the dbSNP, ClinVar, LOVD 3.0, UMD-LSDB, the Exome Aggregation Consortium (August 8th 2016) or the Genome Aggregation Database (Feb 27, 2017). The p.Lys434 residue is not conserved in mammals and computational analyses (PolyPhen-2, SIFT, AlignGVGD, BLOSUM, MutationTaster) do not suggest a high likelihood of impact to the protein; however, this information is not predictive enough to rule out pathogenicity. The variant occurs outside of the splicing consensus sequence and in silico or computational prediction software programs (SpliceSiteFinder, MaxEntScan, NNSPLICE, GeneSplicer) do not predict a difference in splicing. In summary, based on the above information, the clinical significance of this variant cannot be determined with certainty at this time. This variant is classified as a variant of uncertain significance.

Literature cited by the submitters: PubMed 32885271 (cited by Ambry Genetics).

NM_000059.4(BRCA2):c.1300A>C (p.Lys434Gln)

Gene: BRCA2 (BRCA2 DNA repair associated; plus strand). Cytogenetic location: 13q13.1.
Variant type: single nucleotide variant.
Coding change: c.1300A>C on transcript NM_000059.4 (MANE Select); coding-DNA position 1300, A replaced by C.
Protein change: p.Lys434Gln; replaces lysine 434 with glutamine.
Molecular consequence: missense variant.
Genome position (GRCh38, 1-based): chr13:32,332,778, A>C. VCF-style: chr13-32332778-A-C. GRCh37 (hg19) VCF-style: chr13-32906915-A-C.
Other names: short protein forms K434Q.
Identifiers: ClinVar variation 1049959 (VCV001049959.6), dbSNP rs2137469817, ClinGen allele CA387762528.